The following is an entry in ClinVar:

ClinVar aggregate classification (germline): Benign/Likely benign. Review status: criteria provided, multiple submitters, no conflicts (2 of 4 stars). 6 submissions from 6 submitters: Benign (2); Likely benign (3). 1 of the submissions does not count toward it. Last evaluated 2026-03-01.

Conditions:
Cardiovascular phenotype. Identifiers: MedGen CN230736.
Cardiomyopathy (CMYO). Also called: Cardiomyopathies. Identifiers: Orphanet 167848, MedGen C0878544, MONDO:0004994, HP:0001638. Inheritance: Various modes of inheritance.
FLNC-related disorder. Also called: FLNC-related condition; FLNC-related disorders.
Hypertrophic cardiomyopathy 26. Also called: Cardiomyopathy, familial hypertrophic, 26. Identifiers: Orphanet 75249, MedGen C4310749, MONDO:0014883, OMIM 617047.
Myofibrillar myopathy 5. Also called: Filaminopathy (type); FILAMINOPATHY, AUTOSOMAL DOMINANT. Identifiers: Orphanet 171445, MedGen C1836050, MONDO:0012289, OMIM 609524.
Distal myopathy with posterior leg and anterior hand involvement. Also called: WILLIAMS DISTAL MYOPATHY. Identifiers: Orphanet 63273, MedGen C3279722, MONDO:0013550, OMIM 614065.

Allele frequency attached by ClinVar (database versions not stated): gnomAD 0.00003; TOPMed 0.00006; gnomAD exomes 0.00025; ExAC 0.00031.
gnomAD v4.1: 93 of 1,613,406 alleles (0.0058%); highest among the groups gnomAD compares: Admixed American, 0.1%; 1 homozygote.

Submissions (6):

CeGaT Center for Human Genetics Tuebingen
Classification: Likely benign. Last evaluated: 2026-03-01. Review status: criteria provided, single submitter. Criteria: CeGaT Center For Human Genetics Tuebingen Variant Classification Criteria Version 2. Collection method: clinical testing. Allele origin: germline. Affected: yes. Observed: 1 variant allele.
Comment: FLNC: PP3, BS1

Labcorp Genetics (formerly Invitae), Labcorp
Classification: Likely benign for Distal myopathy with posterior leg and anterior hand involvement; Myofibrillar myopathy 5; Hypertrophic cardiomyopathy 26. Last evaluated: 2025-12-29. Review status: criteria provided, single submitter. Criteria: Invitae Variant Classification Sherloc (09022015). Collection method: clinical testing. Allele origin: germline.

CHEO Genetics Diagnostic Laboratory, Children's Hospital of Eastern Ontario
Classification: Benign for Cardiomyopathy. Last evaluated: 2023-06-23. Review status: criteria provided, single submitter. Criteria: ACMG Guidelines, 2015. Collection method: clinical testing. Allele origin: germline.

GeneDx
Classification: Benign. Last evaluated: 2020-07-28. Review status: criteria provided, single submitter. Criteria: GeneDx Variant Classification Process June 2021. Collection method: clinical testing. Allele origin: germline. Affected: yes.

Ambry Genetics
Classification: Likely benign for Cardiovascular phenotype. Last evaluated: 2020-01-21. Review status: criteria provided, single submitter. Criteria: Ambry Variant Classification Scheme 2023. Collection method: clinical testing. Allele origin: germline.

PreventionGenetics, part of Exact Sciences
Classification: Likely benign for FLNC-related condition. Last evaluated: 2023-05-27. Review status: no assertion criteria provided. Collection method: clinical testing. Allele origin: germline. Not counted in ClinVar's aggregate classification.
Comment: This variant is classified as likely benign based on ACMG/AMP sequence variant interpretation guidelines (Richards et al. 2015 PMID: 25741868, with internal and published modifications).

NM_001458.5(FLNC):c.2392G>A (p.Asp798Asn)

Gene: FLNC (filamin C; plus strand). Cytogenetic location: 7q32.1.
Variant type: single nucleotide variant.
Coding change: c.2392G>A on transcript NM_001458.5 (MANE Select); coding-DNA position 2392, G replaced by A.
Protein change: p.Asp798Asn; replaces aspartic acid 798 with asparagine.
Molecular consequence: missense variant.
Genome position (GRCh38, 1-based): chr7:128,842,796, G>A. VCF-style: chr7-128842796-G-A. GRCh37 (hg19) VCF-style: chr7-128482850-G-A.
Other names: c.2392G>A, p.Asp798Asn (NM_001127487.2); short protein forms D798N.
Identifiers: ClinVar variation 472009 (VCV000472009.20), dbSNP rs778594252, ClinGen allele CA4474723.
Genomic context (GRCh38, chr7:128,842,796, plus strand): 5'-GGGGGTGAGTCGAGTCGGGGGCTGAGCCCAACTCACAGCAGTGCCCGCTTCTCTGCAGGC[G>A]ACGTGAGCATCGGCATCAAGTGCGCCCCAGGCGTGGTGGGCCCTGCAGAGGCTGACATTG-3'
Protein context (NP_001449.3, residues 788-808): TVDCSEAGQG[Asp798Asn]VSIGIKCAPG